The following is an entry in ClinVar:

ClinVar aggregate classification (germline): Likely benign. Review status: criteria provided, multiple submitters, no conflicts (2 of 4 stars). 2 submissions from 2 submitters: Likely benign (2). Last evaluated 2026-01-25.

Submissions (2):

Labcorp Genetics (formerly Invitae), Labcorp
Classification: Likely benign. Last evaluated: 2026-01-25. Review status: criteria provided, single submitter. Criteria: Invitae Variant Classification Sherloc (09022015). Collection method: clinical testing. Allele origin: germline.

GeneDx
Classification: Likely benign. Last evaluated: 2018-06-12. Review status: criteria provided, single submitter. Criteria: GeneDx Variant Classification (06012015). Collection method: clinical testing. Allele origin: germline. Affected: yes.
Comment: This variant is considered likely benign or benign based on one or more of the following criteria: it is a conservative change, it occurs at a poorly conserved position in the protein, it is predicted to be benign by multiple in silico algorithms, and/or has population frequency not consistent with disease.

NM_001846.4(COL4A2):c.4255_4256delinsGC (p.Met1419Ala)

Genes: COL4A2 (collagen type IV alpha 2 chain; plus strand), COL4A2-AS1 (COL4A2 antisense RNA 1; minus strand). Cytogenetic location: 13q34.
Variant type: Indel.
Coding change: c.4255_4256delinsGC on transcript NM_001846.4 (MANE Select); coding-DNA positions 4255 to 4256, AT replaced by GC.
Protein change: p.Met1419Ala; replaces methionine 1419 with alanine.
Molecular consequence: missense variant.
Genome position (GRCh38, 1-based): chr13:110,503,963-110,503,964, AT replaced by GC. VCF-style: chr13-110503963-AT-GC. GRCh37 (hg19) VCF-style: chr13-111156310-AT-GC.
Other names: short protein forms M1419A.
Identifiers: ClinVar variation 672169 (VCV000672169.8), dbSNP rs1594114117, ClinGen allele CA915948950.